The following is an entry in ClinVar:

NM_004304.5(ALK):c.1076G>A (p.Gly359Glu)

Gene: ALK (ALK receptor tyrosine kinase; minus strand). Cytogenetic location: 2p23.2.
Variant type: single nucleotide variant.
Coding change: c.1076G>A on transcript NM_004304.5 (MANE Select); coding-DNA position 1076, G replaced by A.
Protein change: p.Gly359Glu; replaces glycine 359 with glutamic acid.
Molecular consequence: missense variant.
Genome position (GRCh38, 1-based): chr2:29,531,993, C>T on the plus strand (G>A on the coding strand, the complement: ALK is on the minus strand). VCF-style: chr2-29531993-C-T. GRCh37 (hg19) VCF-style: chr2-29754859-C-T.
Other names: short protein forms G359E.
Identifiers: ClinVar variation 1482361 (VCV001482361.8), dbSNP rs2148158595, ClinGen allele CA346587326.

ClinVar aggregate classification (germline): Uncertain significance (1 of 4 stars; one submission).

Conditions:
Neuroblastoma, susceptibility to, 3. Also called: ALK-Related Neuroblastic Tumor Susceptibility. Identifiers: Orphanet 635, MedGen C2751681, MONDO:0013083, OMIM 613014.

gnomAD v4.1: 1 of 1,614,174 alleles (0.000062%); highest among the groups gnomAD compares: Non-Finnish European, 0.000085%; no homozygotes.

Submission:

Labcorp Genetics (formerly Invitae), Labcorp
Classification: Uncertain significance for Neuroblastoma, susceptibility to, 3. Last evaluated: 2025-01-22. Review status: criteria provided, single submitter. Criteria: Invitae Variant Classification Sherloc (09022015). Collection method: clinical testing. Allele origin: germline.
Comment: This sequence change replaces glycine, which is neutral and non-polar, with glutamic acid, which is acidic and polar, at codon 359 of the ALK protein (p.Gly359Glu). This variant is not present in population databases (gnomAD no frequency). This variant has not been reported in the literature in individuals affected with ALK-related conditions. ClinVar contains an entry for this variant (Variation ID: 1482361). An algorithm developed to predict the effect of missense changes on protein structure and function (PolyPhen-2) suggests that this variant is likely to be disruptive. In summary, the available evidence is currently insufficient to determine the role of this variant in disease. Therefore, it has been classified as a Variant of Uncertain Significance.